The following is an entry in ClinVar:

ClinVar aggregate classification (germline): Likely benign. Review status: criteria provided, multiple submitters, no conflicts (2 of 4 stars). 2 submissions from 2 submitters: Likely benign (2). Last evaluated 2025-11-17.

Allele frequency attached by ClinVar (database versions not stated): gnomAD 0.00024 and 0.00025; 1000 Genomes Project 30x 0.00031; ESP Exome Variant Server 0.00039; 1000 Genomes Project 0.00040.
gnomAD v4.1: 85 of 1,587,568 alleles (0.0054%); highest among the groups gnomAD compares: African/African-American, 0.091%; no homozygotes.

Submissions (2):

Labcorp Genetics (formerly Invitae), Labcorp
Classification: Likely benign. Last evaluated: 2025-11-17. Review status: criteria provided, single submitter. Criteria: Invitae Variant Classification Sherloc (09022015). Collection method: clinical testing. Allele origin: germline.

CeGaT Center for Human Genetics Tuebingen
Classification: Likely benign. Last evaluated: 2024-11-01. Review status: criteria provided, single submitter. Criteria: CeGaT Center For Human Genetics Tuebingen Variant Classification Criteria Version 2. Collection method: clinical testing. Allele origin: germline. Affected: yes. Observed: 1 variant allele.
Comment: RIPK1: BP4, BP7

NM_001354930.2(RIPK1):c.888T>C (p.Ser296=)

Gene: RIPK1 (receptor interacting serine/threonine kinase 1; plus strand). Cytogenetic location: 6p25.2.
Variant type: single nucleotide variant.
Coding change: c.888T>C on transcript NM_001354930.2 (MANE Select); coding-DNA position 888, T replaced by C.
Protein change: p.Ser296=; no amino-acid change (serine 296 retained).
Molecular consequence: synonymous variant.
Genome position (GRCh38, 1-based): chr6:3,089,630, T>C. VCF-style: chr6-3089630-T-C. GRCh37 (hg19) VCF-style: chr6-3089864-T-C.
Other names: c.399T>C, p.Ser133= (NM_001317061.3, NM_001354932.2, NM_001354933.2 and 1 more transcripts); c.750T>C, p.Ser250= (NM_001354931.2); c.888T>C, p.Ser296= (NM_003804.6).
Identifiers: ClinVar variation 1585399 (VCV001585399.22), dbSNP rs113602774, ClinGen allele CA3618314.